The following is an entry in ClinVar:

NM_004100.5(EYA4):c.223_224del (p.Val75fs)

Gene: EYA4 (EYA transcriptional coactivator and phosphatase 4; plus strand). Cytogenetic location: 6q23.2.
Variant type: Deletion.
Coding change: c.223_224del on transcript NM_004100.5 (MANE Select); coding-DNA positions 223 to 224, 2 bases deleted (GT; older notation c.223_224delGT).
Protein change: p.Val75fs; shifts the reading frame from valine 75.
Molecular consequence: frameshift variant. On other transcripts: intron variant (4).
Genome position (GRCh38, 1-based): chr6:133,448,125-133,448,126, GT deleted; deleting any 2 consecutive bases within chr6:133,448,124-133,448,126 gives the same sequence; the c. name uses the placement nearest the transcript's 3' end. VCF-style (leftmost placement, unchanged base first): chr6-133448123-CTG-C. GRCh37 (hg19) VCF-style: chr6-133769261-CTG-C.
Other names: c.223_224del, p.Val75fs (NM_001301013.2, NM_172105.4); c.208+1371_208+1372del (NM_001370458.1, NM_172103.4, NM_001370459.1 and 1 more transcripts); short protein forms V75fs.
Identifiers: ClinVar variation 1916328 (VCV001916328.5), dbSNP rs2534357852, ClinGen allele CA2580075035.

ClinVar aggregate classification (germline): Pathogenic (1 of 4 stars; one submission).

Conditions:
Dilated cardiomyopathy 1J (CMD1J). Also called: CARDIOMYOPATHY, DILATED, WITH SENSORINEURAL HEARING LOSS, AUTOSOMAL DOMINANT. Identifiers: Orphanet 217622, MedGen C1854368, MONDO:0011541, OMIM 605362.

Submission:

Labcorp Genetics (formerly Invitae), Labcorp
Classification: Pathogenic for Dilated cardiomyopathy 1J. Last evaluated: 2022-06-10. Review status: criteria provided, single submitter. Criteria: Invitae Variant Classification Sherloc (09022015). Collection method: clinical testing. Allele origin: germline.
Comment: This sequence change creates a premature translational stop signal (p.Val75Phefs*32) in the EYA4 gene. It is expected to result in an absent or disrupted protein product. Loss-of-function variants in EYA4 are known to be pathogenic (PMID: 11159937, 25781927, 25963406). This variant is not present in population databases (gnomAD no frequency). This premature translational stop signal has been observed in individual(s) with hearing loss (PMID: 32107406). For these reasons, this variant has been classified as Pathogenic.

Literature cited by the submitters: PubMed 11159937; PubMed 25781927; PubMed 25963406; PubMed 32107406.